The following is an entry in ClinVar:

ClinVar aggregate classification (germline): Conflicting classifications of pathogenicity. Review status: criteria provided, conflicting classifications (1 of 4 stars). 3 submissions from 3 submitters: Uncertain significance (1); Likely benign (2). Last evaluated 2026-08-01.

Conditions:
Inborn genetic diseases. Identifiers: MedGen C0950123, MeSH D030342.

Allele frequency attached by ClinVar (database versions not stated): gnomAD 0.00002; ExAC 0.00003; TOPMed 0.00003.

Submissions (3):

CeGaT Center for Human Genetics Tuebingen
Classification: Likely benign. Last evaluated: 2026-08-01. Review status: criteria provided, single submitter. Criteria: CeGaT Center For Human Genetics Tuebingen Variant Classification Criteria Version 2. Collection method: clinical testing. Allele origin: germline. Affected: yes. Observed: 2 variant alleles.
Comment: DLL1: BP4

Labcorp Genetics (formerly Invitae), Labcorp
Classification: Uncertain significance. Last evaluated: 2025-10-22. Review status: criteria provided, single submitter. Criteria: Invitae Variant Classification Sherloc (09022015). Collection method: clinical testing. Allele origin: germline.
Comment: This sequence change replaces alanine, which is neutral and non-polar, with threonine, which is neutral and polar, at codon 488 of the DLL1 protein (p.Ala488Thr). This variant is present in population databases (rs768701175, gnomAD 0.03%). This variant has not been reported in the literature in individuals affected with DLL1-related conditions. ClinVar contains an entry for this variant (Variation ID: 1504454). An algorithm developed to predict the effect of missense changes on protein structure and function (PolyPhen-2) suggests that this variant is likely to be tolerated. In summary, the available evidence is currently insufficient to determine the role of this variant in disease. Therefore, it has been classified as a Variant of Uncertain Significance.

Ambry Genetics
Classification: Likely benign for Inborn genetic diseases. Last evaluated: 2025-08-10. Review status: criteria provided, single submitter. Criteria: Ambry Variant Classification Scheme 2023. Collection method: clinical testing. Allele origin: germline.

NM_005618.4(DLL1):c.1462G>A (p.Ala488Thr)

Gene: DLL1 (delta like canonical Notch ligand 1; minus strand). Cytogenetic location: 6q27.
Variant type: single nucleotide variant.
Coding change: c.1462G>A on transcript NM_005618.4 (MANE Select); coding-DNA position 1462, G replaced by A.
Protein change: p.Ala488Thr; replaces alanine 488 with threonine.
Molecular consequence: missense variant.
Genome position (GRCh38, 1-based): chr6:170,283,817, C>T on the plus strand (G>A on the coding strand, the complement: DLL1 is on the minus strand). VCF-style: chr6-170283817-C-T. GRCh37 (hg19) VCF-style: chr6-170592905-C-T.
Other names: c.1462G>A (NM_005618.3); short protein forms A488T.
Identifiers: ClinVar variation 1504454 (VCV001504454.33), dbSNP rs768701175, ClinGen allele CA4106818.
Genomic context (GRCh38, chr6:170,283,817, plus strand): 5'-CACACTCGCACACATAGCGGTGGCCCCTCTCGTGGCAGGTGGCCCCATTGTGGCAGGGTG[C>T]GTGCTCGCACCTGCTGACGGGGGCACTGCAGTTCCTGCCCGTGTAGCCAGGCGGGCAGGT-3'
Protein context (NP_005609.3, residues 478-498): CSAPVSRCEH[Ala488Thr]PCHNGATCHE